The following is an entry in ClinVar:

NM_004260.4(RECQL4):c.1228G>A (p.Asp410Asn)

Gene: RECQL4 (RecQ like helicase 4; minus strand). Cytogenetic location: 8q24.3.
Variant type: single nucleotide variant.
Coding change: c.1228G>A on transcript NM_004260.4 (MANE Select); coding-DNA position 1228, G replaced by A.
Protein change: p.Asp410Asn; replaces aspartic acid 410 with asparagine.
Molecular consequence: missense variant.
Genome position (GRCh38, 1-based): chr8:144,515,794, C>T on the plus strand (G>A on the coding strand, the complement: RECQL4 is on the minus strand). VCF-style: chr8-144515794-C-T. GRCh37 (hg19) VCF-style: chr8-145741178-C-T.
Other names: short protein forms D410N.
Identifiers: ClinVar variation 528919 (VCV000528919.8), dbSNP rs558779399, ClinGen allele CA187687941.
Genomic context (GRCh38, chr8:144,515,794, plus strand): 5'-CGGACCCACCCTCCAGGGCAGATGTCTCACCTGGCCGGGGACACTGGGCTGCCCAGTGAT[C>T]GAACTGCTCGTTCAGGAAACAAGACTCCTTGGTTGTGACTGTGGCACCACCACCCCCAAA-3'
Protein context (NP_004251.4, residues 400-420): KESCFLNEQF[Asp410Asn]HWAAQCPRPA

ClinVar aggregate classification (germline): Uncertain significance. Review status: criteria provided, multiple submitters, no conflicts (2 of 4 stars). 2 submissions from 2 submitters: Uncertain significance (2). Last evaluated 2025-02-16.

Conditions:
RECQL4-related disorder. Also called: RECQL4-related disorders; RECQL4-related condition.
Baller-Gerold syndrome (BGS). Also called: CRANIOSYNOSTOSIS WITH RADIAL DEFECTS. Identifiers: Orphanet 1225, MedGen C0265308, MONDO:0009039, OMIM 218600.

Allele frequency attached by ClinVar (database versions not stated): TOPMed 0.00002.
gnomAD v4.1: 24 of 1,612,566 alleles (0.0015%); highest among the groups gnomAD compares: Admixed American, 0.0033%; no homozygotes.

Submissions (2):

Labcorp Genetics (formerly Invitae), Labcorp
Classification: Uncertain significance for Baller-Gerold syndrome. Last evaluated: 2025-02-16. Review status: criteria provided, single submitter. Criteria: Invitae Variant Classification Sherloc (09022015). Collection method: clinical testing. Allele origin: germline.
Comment: This sequence change replaces aspartic acid, which is acidic and polar, with asparagine, which is neutral and polar, at codon 410 of the RECQL4 protein (p.Asp410Asn). This variant is present in population databases (rs558779399, gnomAD 0.007%). This variant has not been reported in the literature in individuals affected with RECQL4-related conditions. ClinVar contains an entry for this variant (Variation ID: 528919). Invitae Evidence Modeling of protein sequence and biophysical properties (such as structural, functional, and spatial information, amino acid conservation, physicochemical variation, residue mobility, and thermodynamic stability) indicates that this missense variant is not expected to disrupt RECQL4 protein function with a negative predictive value of 80%. In summary, the available evidence is currently insufficient to determine the role of this variant in disease. Therefore, it has been classified as a Variant of Uncertain Significance.

PreventionGenetics, part of Exact Sciences
Classification: Uncertain significance for RECQL4-related condition. Last evaluated: 2023-04-28. Review status: criteria provided, single submitter. Criteria: ACMG Guidelines, 2015. Collection method: clinical testing. Allele origin: germline.
Comment: The RECQL4 c.1228G>A variant is predicted to result in the amino acid substitution p.Asp410Asn. To our knowledge, this variant has not been reported in the literature. This variant is reported in 0.0066% of alleles in individuals of African descent in gnomAD. At this time, the clinical significance of this variant is uncertain due to the absence of conclusive functional and genetic evidence.